The following is an entry in ClinVar:

NM_007294.4(BRCA1):c.4860T>C (p.Thr1620=)

Gene: BRCA1 (BRCA1 DNA repair associated; minus strand). Cytogenetic location: 17q21.31.
Variant type: single nucleotide variant.
Coding change: c.4860T>C on transcript NM_007294.4 (MANE Select); coding-DNA position 4860, T replaced by C.
Protein change: p.Thr1620=; no amino-acid change (threonine 1620 retained).
Molecular consequence: synonymous variant. On other transcripts: intron variant (1).
Genome position (GRCh38, 1-based): chr17:43,071,054, A>G on the plus strand (T>C on the coding strand, the complement: BRCA1 is on the minus strand). VCF-style: chr17-43071054-A-G. GRCh37 (hg19) VCF-style: chr17-41223071-A-G.
Other names: c.1425T>C, p.Thr475= (NM_001408441.1, NM_001408442.1, NM_001408443.1 and 10 more transcripts); c.1422T>C, p.Thr474= (NM_001408445.1, NM_001408446.1, NM_001408447.1 and 2 more transcripts); c.1416T>C, p.Thr472= (NM_001408451.1); c.1410T>C, p.Thr470= (NM_001408452.1, NM_001408453.1, NM_001408454.1 and 3 more transcripts); c.1407T>C, p.Thr469= (NM_001408458.1, NM_001408459.1, NM_001408460.1 and 7 more transcripts); c.1404T>C, p.Thr468= (NM_001408468.1, NM_001408469.1, NM_001408470.1); c.1548T>C, p.Thr516= (NM_001408472.1, NM_007298.4, NM_007299.4 and 13 more transcripts); c.1545T>C, p.Thr515= (NM_001408473.1, NM_001408392.1, NM_001408396.1 and 8 more transcripts); and 71 more.
Identifiers: ClinVar variation 240808 (VCV000240808.24), dbSNP rs750938749, ClinGen allele CA053379.
Genomic context (GRCh38, chr17:43,071,054, plus strand): 5'-TGTCAATTCTGGCTTCTCCCTGCTCACACTTTCTTCCATTGCATTATACCCAGCAGTATC[A>G]GTAGTATGAGCAGCAGCTGGACTCTGGGCAGATTCTGCAACTTTCAATTGGGGAACTTTC-3'
Protein context (NP_009225.1, residues 1610-1630): SAQSPAAAHT[Thr1620=]DTAGYNAMEE

ClinVar aggregate classification (germline): Likely benign. Review status: reviewed by expert panel (3 of 4 stars). 8 submissions from 8 submitters: Likely benign (1). 7 of the submissions do not count toward it. Last evaluated 2017-06-29.

Conditions:
Hereditary cancer-predisposing syndrome. Also called: Hereditary Cancer Syndrome; Neoplastic Syndromes, Hereditary; Hereditary neoplastic syndrome; Tumor predisposition. Identifiers: Orphanet 140162, MedGen C0027672, MeSH D009386, MONDO:0015356.
Hereditary breast ovarian cancer syndrome. Also called: Hereditary breast and ovarian cancer syndrome (HBOC); Breast and ovarian cancer; Hereditary breast and ovarian cancer syndrome; Hereditary breast and ovarian cancer; BRCA1- and BRCA2-Associated Hereditary Breast and Ovarian Cancer; Hereditary breast and/or ovarian cancer syndrome. Identifiers: Orphanet 145, MedGen C0677776, MeSH D061325, MONDO:0003582. Disease mechanism: loss of function.
Breast-ovarian cancer, familial, susceptibility to, 1 (BROVCA1). Also called: BRCA1 Hereditary Breast and Ovarian Cancer; OVARIAN CANCER, SUSCEPTIBILITY TO. Identifiers: Orphanet 145, MedGen C2676676, MONDO:0011450, OMIM 604370. Disease mechanism: loss of function.

Allele frequency attached by ClinVar (database versions not stated): gnomAD exomes below 0.00001 and 0.00002; ExAC 0.00001.
gnomAD v4.1: 30 of 1,614,166 alleles (0.0019%); highest among the groups gnomAD compares: Non-Finnish European, 0.0025%; no homozygotes.

Submissions (8):

Evidence-based Network for the Interpretation of Germline Mutant Alleles (ENIGMA)
Classification: Likely benign for Breast-ovarian cancer, familial, susceptibility to, 1. Last evaluated: 2017-06-29. Review status: reviewed by expert panel. Criteria: ENIGMA BRCA1/2 Classification Criteria (2017-06-29). Collection method: curation. Allele origin: germline.
Comment: Synonymous substitution variant, with low bioinformatic likelihood to result in a splicing aberration (Splicing prior probability 0.02).

Labcorp Genetics (formerly Invitae), Labcorp
Classification: Likely benign for Hereditary breast ovarian cancer syndrome. Last evaluated: 2025-08-25. Review status: criteria provided, single submitter. Criteria: Invitae Variant Classification Sherloc (09022015). Collection method: clinical testing. Allele origin: germline. Not counted in ClinVar's aggregate classification.

All of Us Research Program, National Institutes of Health
Classification: Likely benign for Breast-ovarian cancer, familial, susceptibility to, 1. Last evaluated: 2023-05-15. Review status: criteria provided, single submitter. Criteria: ACMG Guidelines, 2015. Collection method: clinical testing. Allele origin: germline. Inheritance: Autosomal dominant inheritance. Observed: 1 variant allele, 1 heterozygote. Not counted in ClinVar's aggregate classification.
Comment: This study involves interpretation of variants in research participants for the purpose of population health screening. Participant phenotype was not available at the time of variant classification. Additional details can be found in publication PMID: 35346344, PMCID: PMC8962531

Women's Health and Genetics/Laboratory Corporation of America, LabCorp
Classification: Likely benign. Last evaluated: 2019-08-21. Review status: criteria provided, single submitter. Criteria: LabCorp Variant Classification Summary - May 2015. Collection method: clinical testing. Allele origin: germline. Not counted in ClinVar's aggregate classification.

Color Diagnostics, LLC DBA Color Health
Classification: Likely benign for Hereditary cancer-predisposing syndrome. Last evaluated: 2017-10-08. Review status: criteria provided, single submitter. Criteria: ACMG Guidelines, 2015. Collection method: clinical testing. Allele origin: germline. Not counted in ClinVar's aggregate classification.

Ambry Genetics
Classification: Likely benign for Hereditary cancer-predisposing syndrome. Last evaluated: 2016-02-08. Review status: criteria provided, single submitter. Criteria: Ambry Variant Classification Scheme 2023. Collection method: clinical testing. Allele origin: germline. Not counted in ClinVar's aggregate classification.

GeneDx
Classification: Benign. Last evaluated: 2015-03-03. Review status: criteria provided, single submitter. Criteria: GeneDx Variant Classification Process June 2021. Collection method: clinical testing. Allele origin: germline. Affected: yes. Not counted in ClinVar's aggregate classification.

Cancer Genetics and Genomics Laboratory, British Columbia Cancer Agency
Classification: Uncertain significance for Hereditary breast ovarian cancer syndrome. Last evaluated: 2016-04-14. Review status: no assertion criteria provided. Collection method: clinical testing. Allele origin: germline. Study: The Canadian Open Genetics Repository (COGR). Not counted in ClinVar's aggregate classification.